The following is an entry in ClinVar:

ClinVar aggregate classification (germline): Uncertain significance. Review status: criteria provided, multiple submitters, no conflicts (2 of 4 stars). 3 submissions from 3 submitters: Uncertain significance (3). Last evaluated 2024-10-15.

Conditions:
Inborn genetic diseases. Identifiers: MedGen C0950123, MeSH D030342.

Allele frequency attached by ClinVar (database versions not stated): ExAC 0.00007; 1000 Genomes Project 30x 0.00016; 1000 Genomes Project 0.00020.
gnomAD v4.1: 189 of 1,590,920 alleles (0.012%); highest among the groups gnomAD compares: Admixed American, 0.027%; no homozygotes.

Submissions (3):

Blueprint Genetics
Classification: Uncertain significance. Last evaluated: 2024-10-15. Review status: criteria provided, single submitter. Criteria: ACMG Guidelines, 2015. Collection method: clinical testing. Allele origin: germline.

Ambry Genetics
Classification: Uncertain significance for Inborn genetic diseases. Last evaluated: 2024-10-09. Review status: criteria provided, single submitter. Criteria: Ambry Variant Classification Scheme 2023. Collection method: clinical testing. Allele origin: germline.

Labcorp Genetics (formerly Invitae), Labcorp
Classification: Uncertain significance. Last evaluated: 2022-10-18. Review status: criteria provided, single submitter. Criteria: Invitae Variant Classification Sherloc (09022015). Collection method: clinical testing. Allele origin: germline.
Comment: This sequence change replaces aspartic acid, which is acidic and polar, with tyrosine, which is neutral and polar, at codon 130 of the PEPD protein (p.Asp130Tyr). This variant is present in population databases (rs533413828, gnomAD 0.03%). This variant has not been reported in the literature in individuals affected with PEPD-related conditions. ClinVar contains an entry for this variant (Variation ID: 1433994). Advanced modeling of protein sequence and biophysical properties (such as structural, functional, and spatial information, amino acid conservation, physicochemical variation, residue mobility, and thermodynamic stability) has been performed at Invitae for this missense variant, however the output from this modeling did not meet the statistical confidence thresholds required to predict the impact of this variant on PEPD protein function. Algorithms developed to predict the effect of sequence changes on RNA splicing suggest that this variant may create or strengthen a splice site. In summary, the available evidence is currently insufficient to determine the role of this variant in disease. Therefore, it has been classified as a Variant of Uncertain Significance.

NM_000285.4(PEPD):c.388G>T (p.Asp130Tyr)

Gene: PEPD (peptidase D; minus strand). Cytogenetic location: 19q13.11.
Variant type: single nucleotide variant.
Coding change: c.388G>T on transcript NM_000285.4 (MANE Select); coding-DNA position 388, G replaced by T.
Protein change: p.Asp130Tyr; replaces aspartic acid 130 with tyrosine.
Molecular consequence: missense variant. On other transcripts: intron variant (1).
Genome position (GRCh38, 1-based): chr19:33,500,943, C>A on the plus strand (G>T on the coding strand, the complement: PEPD is on the minus strand). VCF-style: chr19-33500943-C-A. GRCh37 (hg19) VCF-style: chr19-33991849-C-A.
Other names: c.388G>T, p.Asp130Tyr (NM_001166056.2); c.202-7606G>T (NM_001166057.2); c.388G>T (NM_000285.3); short protein forms D130Y.
Identifiers: ClinVar variation 1433994 (VCV001433994.6), dbSNP rs533413828, ClinGen allele CA9364387.